The following is an entry in ClinVar:

NM_001379110.1(SLC9A6):c.1734C>T (p.Ile578=)

Gene: SLC9A6 (solute carrier family 9 member A6; plus strand). Cytogenetic location: Xq26.3.
Variant type: single nucleotide variant.
Coding change: c.1734C>T on transcript NM_001379110.1 (MANE Select); coding-DNA position 1734, C replaced by T.
Protein change: p.Ile578=; no amino-acid change (isoleucine 578 retained).
Molecular consequence: synonymous variant.
Genome position (GRCh38, 1-based): chrX:136,040,148, C>T. VCF-style: chrX-136040148-C-T. GRCh37 (hg19) VCF-style: chrX-135122307-C-T.
Other names: NM_001379110.1(SLC9A6):c.1734C>T; p.Ile578=; c.1800C>T, p.Ile600= (NM_001042537.2); c.1644C>T, p.Ile548= (NM_001177651.2); c.1548C>T, p.Ile516= (NM_001330652.2); c.1704C>T, p.Ile568= (NM_006359.3).
Identifiers: ClinVar variation 1110453 (VCV001110453.13), dbSNP rs375760367, ClinGen allele CA336249727.

ClinVar aggregate classification (germline): Likely benign. Review status: reviewed by expert panel (3 of 4 stars). 3 submissions from 3 submitters: Likely benign (1). 2 of the submissions do not count toward it. Last evaluated 2023-10-13.

Conditions:
Christianson syndrome (MRXSCH). Also called: SLC9A6-Related Syndromic Mental Retardation; INTELLECTUAL DEVELOPMENTAL DISORDER, X-LINKED, SYNDROMIC, CHRISTIANSON TYPE; X-linked mental retardation, syndromic, Christianson type. Identifiers: Orphanet 85278, MedGen C2678194, MONDO:0010278, OMIM 300243.

Allele frequency attached by ClinVar (database versions not stated): gnomAD 0.00008; TOPMed 0.00012; gnomAD exomes below 0.00001 and 0.00001.
gnomAD v4.1: 16 of 1,208,730 alleles (0.0013%); highest among the groups gnomAD compares: African/African-American, 0.01%; no homozygotes.

Submissions (3):

ClinGen Rett and Angelman-like Disorders Variant Curation Expert Panel
Classification: Likely benign for Christianson syndrome. Last evaluated: 2023-10-13. Review status: reviewed by expert panel. Criteria: ClinGen RettAS ACMG Specifications SLC9A6 V3.0.0. Collection method: curation. Allele origin: germline. Inheritance: X-linked inheritance.
Comment: The allele frequency of the c.1704C>T (p.Ile568=) variant in SLC9A6 (NM_006359.2) is 0.008% in the African/African American sub population in gnomAD, which is high enough to meet the BS1 criteria based on thresholds defined by the ClinGen Rett/Angelman-like Expert Panel for Rett/AS-like conditions (BS1). The p.Ile568= variant is found in a patient with an alternate molecular basis of disease (internal database - Invitae) (BP5). The silent p.Ile568= variant is not predicted to affect splicing using multiple computational tools and does not affect a highly conserved nucleotide (BP4, BP7). In summary, the p.Ile568= variant in SLC9A6 is classified as Likely Benign based on the ACMG/AMP criteria (BS1, BP4, BP5, BP7).

Labcorp Genetics (formerly Invitae), Labcorp
Classification: Likely benign for Christianson syndrome. Last evaluated: 2025-09-27. Review status: criteria provided, single submitter. Criteria: Invitae Variant Classification Sherloc (09022015). Collection method: clinical testing. Allele origin: germline. Not counted in ClinVar's aggregate classification.

GeneDx
Classification: Uncertain significance. Last evaluated: 2022-02-01. Review status: criteria provided, single submitter. Criteria: GeneDx Variant Classification Process June 2021. Collection method: clinical testing. Allele origin: germline. Affected: yes. Not counted in ClinVar's aggregate classification.
Comment: Has not been previously published as pathogenic or benign to our knowledge; In-silico analysis is inconclusive as to whether the variant alters gene splicing. In the absence of RNA/functional studies, the actual effect of this sequence change is unknown.